The following is an entry in ClinVar:

ClinVar aggregate classification (germline): Uncertain significance (1 of 4 stars; one submission).

Conditions:
Neuropathy, hereditary sensory and autonomic, type 2A (HSAN2A). Also called: MORVAN DISEASE; NEUROPATHY, CONGENITAL SENSORY; NEUROPATHY, HEREDITARY SENSORY RADICULAR, AUTOSOMAL RECESSIVE; NEUROPATHY, HEREDITARY SENSORY, TYPE IIA; NEUROPATHY, PROGRESSIVE SENSORY, OF CHILDREN; WNK1-Related HSAN2 (HSAN2A). Identifiers: Orphanet 970, MedGen C2752089, MONDO:0024309, OMIM 201300.
Pseudohypoaldosteronism type 2C (PHA2C). Also called: Pseudohypoaldosteronism Type IIC. Identifiers: Orphanet 757, Orphanet 88940, MedGen C1840391, MONDO:0013778, OMIM 614492.

Allele frequency attached by ClinVar (database versions not stated): gnomAD exomes below 0.00001; TOPMed below 0.00001.
gnomAD v4.1: 2 of 1,609,986 alleles (0.00012%); highest among the groups gnomAD compares: African/African-American, 0.0027%; no homozygotes.

Submission:

Labcorp Genetics (formerly Invitae), Labcorp
Classification: Uncertain significance for Neuropathy, hereditary sensory and autonomic, type 2A; Pseudohypoaldosteronism type 2C. Last evaluated: 2020-11-11. Review status: criteria provided, single submitter. Criteria: Invitae Variant Classification Sherloc (09022015). Collection method: clinical testing. Allele origin: germline.
Comment: This variant has not been reported in the literature in individuals with WNK1-related conditions. Algorithms developed to predict the effect of missense changes on protein structure and function are either unavailable or do not agree on the potential impact of this missense change (SIFT: "Deleterious"; PolyPhen-2: "Not Available"; Align-GVGD: "Class C0"). In summary, the available evidence is currently insufficient to determine the role of this variant in disease. Therefore, it has been classified as a Variant of Uncertain Significance. This variant is not present in population databases (ExAC no frequency). This sequence change replaces proline with glutamine at codon 116 of the WNK1 protein (p.Pro116Gln). The proline residue is highly conserved and there is a moderate physicochemical difference between proline and glutamine.

NM_018979.4(WNK1):c.347C>A (p.Pro116Gln)

Gene: WNK1 (WNK lysine deficient protein kinase 1; plus strand). Cytogenetic location: 12p13.33.
Variant type: single nucleotide variant.
Coding change: c.347C>A on transcript NM_018979.4 (MANE Select); coding-DNA position 347, C replaced by A.
Protein change: p.Pro116Gln; replaces proline 116 with glutamine.
Molecular consequence: missense variant.
Genome position (GRCh38, 1-based): chr12:753,912, C>A. VCF-style: chr12-753912-C-A. GRCh37 (hg19) VCF-style: chr12-863078-C-A.
Other names: c.347C>A, p.Pro116Gln (NM_001184985.2, NM_014823.3, NM_213655.5); short protein forms P116Q.
Identifiers: ClinVar variation 939964 (VCV000939964.9), dbSNP rs958127813, ClinGen allele CA231463970.